The following is an entry in ClinVar:

NM_002570.5(PCSK6):c.1575C>T (p.Thr525=)

Gene: PCSK6 (proprotein convertase subtilisin/kexin type 6; minus strand). Cytogenetic location: 15q26.3.
Variant type: single nucleotide variant.
Coding change: c.1575C>T on transcript NM_002570.5 (MANE Select); coding-DNA position 1575, C replaced by T.
Protein change: p.Thr525=; no amino-acid change (threonine 525 retained).
Molecular consequence: synonymous variant.
Genome position (GRCh38, 1-based): chr15:101,370,481, G>A on the plus strand (C>T on the coding strand, the complement: PCSK6 is on the minus strand). VCF-style: chr15-101370481-G-A. GRCh37 (hg19) VCF-style: chr15-101910686-G-A.
Other names: c.1353C>T, p.Thr451= (NM_001291309.2); c.1575C>T, p.Thr525= (NM_138319.4, NM_138323.3, NM_138324.3 and 1 more transcripts).
Identifiers: ClinVar variation 510561 (VCV000510561.1), dbSNP rs1555450297, ClinGen allele CA492700549.

ClinVar aggregate classification (germline): Likely benign (1 of 4 stars; one submission).

Allele frequency attached by ClinVar (database versions not stated): gnomAD exomes below 0.00001.
gnomAD v4.1: 1 of 1,543,948 alleles (0.000065%); highest among the groups gnomAD compares: Non-Finnish European, 0.000088%; no homozygotes.

Submission:

GeneDx
Classification: Likely benign. Last evaluated: 2017-07-04. Review status: criteria provided, single submitter. Criteria: GeneDx Variant Classification (06012015). Collection method: clinical testing. Allele origin: germline. Affected: yes.
Comment: This variant is considered likely benign or benign based on one or more of the following criteria: it is a conservative change, it occurs at a poorly conserved position in the protein, it is predicted to be benign by multiple in silico algorithms, and/or has population frequency not consistent with disease.